The following is an entry in ClinVar:

ClinVar aggregate classification (germline): Benign/Likely benign. Review status: criteria provided, multiple submitters, no conflicts (2 of 4 stars). 8 submissions from 8 submitters: Benign (2); Likely benign (5). 1 of the submissions does not count toward it. Last evaluated 2026-03-01.

Conditions:
Isolated neonatal sclerosing cholangitis (NSC). Also called: Sclerosing cholangitis, neonatal. Identifiers: Orphanet 480556, MedGen C4479344, MONDO:0018816, OMIM 617394.
Autosomal recessive nonsyndromic hearing loss 66 (DFNB66). Also called: Deafness, autosomal recessive 66. Identifiers: Orphanet 90636, MedGen C1857750, MONDO:0012442, OMIM 610212.
DCDC2-related disorder. Also called: DCDC2-related condition.
Nephronophthisis 19 (NPHP19). Identifiers: Orphanet 84081, MedGen C4015542, MONDO:0014537, OMIM 616217.

Allele frequency attached by ClinVar (database versions not stated): TOPMed 0.00021; ExAC 0.00023; gnomAD exomes 0.00030; 1000 Genomes Project 30x 0.00078; 1000 Genomes Project 0.00080.
gnomAD v4.1: 158 of 1,614,200 alleles (0.0098%); highest among the groups gnomAD compares: East Asian, 0.19%; 1 homozygote.

Submissions (8):

CeGaT Center for Human Genetics Tuebingen
Classification: Likely benign. Last evaluated: 2026-03-01. Review status: criteria provided, single submitter. Criteria: CeGaT Center For Human Genetics Tuebingen Variant Classification Criteria Version 2. Collection method: clinical testing. Allele origin: germline. Affected: yes. Observed: 1 variant allele.
Comment: DCDC2: BP4

Labcorp Genetics (formerly Invitae), Labcorp
Classification: Benign for Autosomal recessive nonsyndromic hearing loss 66; Isolated neonatal sclerosing cholangitis. Last evaluated: 2025-11-18. Review status: criteria provided, single submitter. Criteria: Invitae Variant Classification Sherloc (09022015). Collection method: clinical testing. Allele origin: germline.

Mayo Clinic Laboratories, Mayo Clinic
Classification: Likely benign. Last evaluated: 2025-09-08. Review status: criteria provided, single submitter. Criteria: ACMG Guidelines, 2015. Collection method: clinical testing. Allele origin: germline. Observed: 2 variant alleles.
Comment: BS1, BP7

Blueprint Genetics
Classification: Likely benign. Last evaluated: 2024-11-25. Review status: criteria provided, single submitter. Criteria: ACMG Guidelines, 2015. Collection method: clinical testing. Allele origin: germline.

Fulgent Genetics
Classification: Likely benign for Autosomal recessive nonsyndromic hearing loss 66; Nephronophthisis 19; Isolated neonatal sclerosing cholangitis. Last evaluated: 2021-08-09. Review status: criteria provided, single submitter. Criteria: ACMG Guidelines, 2015. Collection method: clinical testing. Allele origin: unknown.

GeneDx
Classification: Benign. Last evaluated: 2020-03-03. Review status: criteria provided, single submitter. Criteria: GeneDx Variant Classification Process June 2021. Collection method: clinical testing. Allele origin: germline. Affected: yes.

Eurofins Ntd Llc (ga)
Classification: Likely benign. Last evaluated: 2017-07-25. Review status: criteria provided, single submitter. Criteria: EGL Classification Definitions 2015. Collection method: clinical testing. Allele origin: germline. Observed: 1 variant allele, 1 heterozygote.

PreventionGenetics, part of Exact Sciences
Classification: Likely benign for DCDC2-related condition. Last evaluated: 2019-11-08. Review status: no assertion criteria provided. Collection method: clinical testing. Allele origin: germline. Not counted in ClinVar's aggregate classification.
Comment: This variant is classified as likely benign based on ACMG/AMP sequence variant interpretation guidelines (Richards et al. 2015 PMID: 25741868, with internal and published modifications).

NM_016356.5(DCDC2):c.478A>C (p.Arg160=)

Gene: DCDC2 (doublecortin domain containing 2; minus strand). Cytogenetic location: 6p22.3.
Variant type: single nucleotide variant.
Coding change: c.478A>C on transcript NM_016356.5 (MANE Select); coding-DNA position 478, A replaced by C.
Protein change: p.Arg160=; no amino-acid change (arginine 160 retained).
Molecular consequence: synonymous variant.
Genome position (GRCh38, 1-based): chr6:24,301,794, T>G on the plus strand (A>C on the coding strand, the complement: DCDC2 is on the minus strand). VCF-style: chr6-24301794-T-G. GRCh37 (hg19) VCF-style: chr6-24302022-T-G.
Other names: p.Arg160=; c.478A>C, p.Arg160= (NM_001195610.2).
Identifiers: ClinVar variation 514414 (VCV000514414.25), dbSNP rs201204772, ClinGen allele CA3654742.